The following is an entry in ClinVar:

ClinVar aggregate classification (germline): Benign. Review status: criteria provided, multiple submitters, no conflicts (2 of 4 stars). 2 submissions from 2 submitters: Benign (2). Last evaluated 2018-01-13.

Conditions:
Fanconi anemia complementation group D2. Also called: FANCD2-Related Fanconi Anemia; FANCONI PANCYTOPENIA, TYPE 4; FANCONI ANEMIA, COMPLEMENTATION GROUP D. Identifiers: Orphanet 84, MedGen C3160738, MONDO:0009214, OMIM 227646.

Allele frequency attached by ClinVar (database versions not stated): 1000 Genomes Project 0.08586; gnomAD 0.08846 and 0.08290; TOPMed 0.08966; 1000 Genomes Project 30x 0.09026; gnomAD exomes 0.01944.
gnomAD v4.1: 15,292 of 293,074 alleles (5.2%); highest among the groups gnomAD compares: African/African-American, 24%; 1,418 homozygotes.

Submissions (2):

Illumina Laboratory Services, Illumina
Classification: Benign for Fanconi anemia complementation group D2. Last evaluated: 2018-01-13. Review status: criteria provided, single submitter. Criteria: ICSL Variant Classification Criteria 13 December 2019. Collection method: clinical testing. Allele origin: germline.
Comment: This variant was observed in the ICSL laboratory as part of a predisposition screen in an ostensibly healthy population. It had not been previously curated by ICSL or reported in the Human Gene Mutation Database (HGMD: prior to June 1st, 2018), and was therefore a candidate for classification through an automated scoring system. Utilizing variant allele frequency, disease prevalence and penetrance estimates, and inheritance mode, an automated score was calculated to assess if this variant is too frequent to cause the disease. Based on the score and internal cut-off values, a variant classified as benign is not then subjected to further curation. The score for this variant resulted in a classification of benign for this disease.

Breakthrough Genomics
Classification: Benign. Review status: criteria provided, single submitter. Criteria: ACMG Guidelines, 2015. Collection method: not provided. Allele origin: germline. Inheritance: Autosomal recessive inheritance. Affected: yes.

NM_001018115.3(FANCD2):c.4281+673G>A

Genes: FANCD2 (FA complementation group D2; plus strand), FANCD2OS (FANCD2 opposite strand; minus strand). Cytogenetic location: 3p25.3.
Variant type: single nucleotide variant.
Coding change: c.4281+673G>A on transcript NM_001018115.3 (MANE Select); 673 bases into the intron after coding-DNA position 4281, G replaced by A.
Molecular consequence: intron variant.
Genome position (GRCh38, 1-based): chr3:10,099,488, G>A. VCF-style: chr3-10099488-G-A. GRCh37 (hg19) VCF-style: chr3-10141172-G-A.
Other names: c.*538G>A (NM_033084.3); c.4281+673G>A (NM_001319984.2); c.4170+673G>A (NM_001374253.1); c.*43+4710C>T (NM_173472.2).
Identifiers: ClinVar variation 342393 (VCV000342393.8), dbSNP rs9862958, ClinGen allele CA10616678.